The following is an entry in ClinVar:

ClinVar aggregate classification (germline): Uncertain significance (1 of 4 stars; one submission).

Conditions:
TNNI1-related disorder.

Submission:

3billion
Classification: Uncertain significance for TNNI1-related disorder. Last evaluated: 2025-10-31. Review status: criteria provided, single submitter. Criteria: ACMG Guidelines, 2015. Collection method: clinical testing. Allele origin: germline. Affected: yes.
Comment: The variant is observed at an extremely low frequency in the gnomAD v4.1.0 dataset (total allele frequency: <0.001%). Predicted Consequence/Location: Missense variant In silico tool predictions suggest damaging effect of the variant on gene or gene product [REVEL: 0.81 (>=0.6, sensitivity 0.68 and specificity 0.92)]. The same nucleotide change resulting in the same amino acid change has been previously reported to be associated with TNNI1-related disorder (PMID: 38569017). The variant has been reported to be in trans with a pathogenic variant as either compound heterozygous or homozygous in at least one similarly affected unrelated individual (PMID: 38569017). A different missense change at the same codon (p.Arg14Cys) has been reported to be associated with TNNI1-related disorder (PMID: 38569017). However the evidence of pathogenicity is insufficient at this time. Therefore, this variant is classified as VUS according to the recommendation of ACMG/AMP guideline.

Literature cited by the submitters: PubMed 38569017.

NM_003281.4(TNNI1):c.41G>A (p.Arg14His)

Gene: TNNI1 (troponin I1, slow skeletal type; minus strand). Cytogenetic location: 1q32.1.
Variant type: single nucleotide variant.
Coding change: c.41G>A on transcript NM_003281.4 (MANE Select); coding-DNA position 41, G replaced by A.
Protein change: p.Arg14His; replaces arginine 14 with histidine.
Molecular consequence: missense variant.
Genome position (GRCh38, 1-based): chr1:201,415,229, C>T on the plus strand (G>A on the coding strand, the complement: TNNI1 is on the minus strand). VCF-style: chr1-201415229-C-T. GRCh37 (hg19) VCF-style: chr1-201384357-C-T.
Other names: short protein forms R14H.
Identifiers: ClinVar variation 4856021 (VCV004856021.1).